The following is an entry in ClinVar:

ClinVar aggregate classification (germline): Likely benign (1 of 4 stars; one submission).

Allele frequency attached by ClinVar (database versions not stated): gnomAD exomes 0.00012; ExAC 0.00038; ESP Exome Variant Server 0.00112; 1000 Genomes Project 0.00120; 1000 Genomes Project 30x 0.00125; gnomAD 0.00127; TOPMed 0.00138.
gnomAD v4.1: 364 of 1,610,710 alleles (0.023%); highest among the groups gnomAD compares: African/African-American, 0.41%; 2 homozygotes.

Submission:

CeGaT Center for Human Genetics Tuebingen
Classification: Likely benign. Last evaluated: 2022-04-01. Review status: criteria provided, single submitter. Criteria: CeGaT Center For Human Genetics Tuebingen Variant Classification Criteria Version 2. Collection method: clinical testing. Allele origin: germline. Affected: yes. Observed: 1 variant allele.
Comment: KIF13A: BP4, BP7

NM_022113.6(KIF13A):c.4881G>A (p.Thr1627=)

Gene: KIF13A (kinesin family member 13A; minus strand). Cytogenetic location: 6p22.3.
Variant type: single nucleotide variant.
Coding change: c.4881G>A on transcript NM_022113.6 (MANE Select); coding-DNA position 4881, G replaced by A.
Protein change: p.Thr1627=; no amino-acid change (threonine 1627 retained).
Molecular consequence: synonymous variant.
Genome position (GRCh38, 1-based): chr6:17,764,647, C>T on the plus strand (G>A on the coding strand, the complement: KIF13A is on the minus strand). VCF-style: chr6-17764647-C-T. GRCh37 (hg19) VCF-style: chr6-17764878-C-T.
Other names: c.4776G>A, p.Thr1592= (NM_001105566.3); c.4737G>A, p.Thr1579= (NM_001105567.3, NM_001105568.4).
Identifiers: ClinVar variation 2656261 (VCV002656261.24), dbSNP rs56327112, ClinGen allele CA3648350.